The following is an entry in ClinVar:

NM_006766.5(KAT6A):c.5904G>A (p.Met1968Ile)

Gene: KAT6A (lysine acetyltransferase 6A; minus strand). Cytogenetic location: 8p11.21.
Variant type: single nucleotide variant.
Coding change: c.5904G>A on transcript NM_006766.5 (MANE Select); coding-DNA position 5904, G replaced by A.
Protein change: p.Met1968Ile; replaces methionine 1968 with isoleucine.
Molecular consequence: missense variant.
Genome position (GRCh38, 1-based): chr8:41,932,316, C>T on the plus strand (G>A on the coding strand, the complement: KAT6A is on the minus strand). VCF-style: chr8-41932316-C-T. GRCh37 (hg19) VCF-style: chr8-41789834-C-T.
Other names: short protein forms M1968I.
Identifiers: ClinVar variation 2572729 (VCV002572729.1), dbSNP rs2486750248, ClinGen allele CA371060059.

ClinVar aggregate classification (germline): Uncertain significance (1 of 4 stars; one submission).

Submission:

GeneDx
Classification: Uncertain significance. Last evaluated: 2023-01-11. Review status: criteria provided, single submitter. Criteria: GeneDx Variant Classification Process June 2021. Collection method: clinical testing. Allele origin: germline. Affected: yes.
Comment: Not observed at significant frequency in large population cohorts (gnomAD); In silico analysis supports that this missense variant has a deleterious effect on protein structure/function; Has not been previously published as pathogenic or benign to our knowledge